The following is an entry in ClinVar:

NM_005898.5(CAPRIN1):c.489A>C (p.Glu163Asp)

Gene: CAPRIN1 (cell cycle associated protein 1; plus strand). Cytogenetic location: 11p13.
Variant type: single nucleotide variant.
Coding change: c.489A>C on transcript NM_005898.5 (MANE Select); coding-DNA position 489, A replaced by C.
Protein change: p.Glu163Asp; replaces glutamic acid 163 with aspartic acid.
Molecular consequence: missense variant.
Genome position (GRCh38, 1-based): chr11:34,076,358, A>C. VCF-style: chr11-34076358-A-C. GRCh37 (hg19) VCF-style: chr11-34097905-A-C.
Other names: c.489A>C, p.Glu163Asp (NM_203364.3); short protein forms E163D.
Identifiers: ClinVar variation 5041160 (VCV005041160.1).

ClinVar aggregate classification (germline): Likely benign (1 of 4 stars; one submission).

gnomAD v4.1: 9 of 1,614,210 alleles (0.00056%); highest among the groups gnomAD compares: South Asian, 0.0055%; no homozygotes.

Submission:

CeGaT Center for Human Genetics Tuebingen
Classification: Likely benign. Last evaluated: 2026-09-01. Review status: criteria provided, single submitter. Criteria: CeGaT Center For Human Genetics Tuebingen Variant Classification Criteria Version 2. Collection method: clinical testing. Allele origin: germline. Affected: yes. Observed: 1 variant allele.
Comment: CAPRIN1: BP4